The following is an entry in ClinVar:

ClinVar aggregate classification (germline): Uncertain significance (1 of 4 stars; one submission).

Conditions:
GTP cyclohydrolase I deficiency. Identifiers: MedGen C0268467, MONDO:0100184.
Dystonia 5 (DRD). Also called: DYSTONIA, PROGRESSIVE, WITH DIURNAL VARIATION; DYSTONIA-PARKINSONISM WITH DIURNAL FLUCTUATION; GTP Cyclohydrolase 1-Deficient Dopa-Responsive Dystonia; Dystonia, DOPA-responsive, with or without hyperphenylalaninemia; DYT-GCH1. Identifiers: Orphanet 98808, MedGen C1851920, MONDO:0007495, OMIM 128230.

Submission:

Labcorp Genetics (formerly Invitae), Labcorp
Classification: Uncertain significance for GTP cyclohydrolase I deficiency; Dystonia 5. Last evaluated: 2022-02-10. Review status: criteria provided, single submitter. Criteria: Invitae Variant Classification Sherloc (09022015). Collection method: clinical testing. Allele origin: germline.
Comment: This sequence change replaces glutamic acid, which is acidic and polar, with aspartic acid, which is acidic and polar, at codon 207 of the GCH1 protein (p.Glu207Asp). This variant is not present in population databases (gnomAD no frequency). This variant has not been reported in the literature in individuals affected with GCH1-related conditions. Algorithms developed to predict the effect of missense changes on protein structure and function (SIFT, PolyPhen-2, Align-GVGD) all suggest that this variant is likely to be disruptive. In summary, the available evidence is currently insufficient to determine the role of this variant in disease. Therefore, it has been classified as a Variant of Uncertain Significance.

NM_000161.3(GCH1):c.621A>T (p.Glu207Asp)

Gene: GCH1 (GTP cyclohydrolase 1; minus strand). Cytogenetic location: 14q22.2.
Variant type: single nucleotide variant.
Coding change: c.621A>T on transcript NM_000161.3 (MANE Select); coding-DNA position 621, A replaced by T.
Protein change: p.Glu207Asp; replaces glutamic acid 207 with aspartic acid.
Molecular consequence: missense variant.
Genome position (GRCh38, 1-based): chr14:54,845,773, T>A on the plus strand (A>T on the coding strand, the complement: GCH1 is on the minus strand). VCF-style: chr14-54845773-T-A. GRCh37 (hg19) VCF-style: chr14-55312491-T-A.
Other names: c.621A>T, p.Glu207Asp (NM_001024024.2, NM_001024070.2, NM_001024071.2); short protein forms E207D.
Identifiers: ClinVar variation 1478019 (VCV001478019.6), dbSNP rs2140041594, ClinGen allele CA389787271.